The following is an entry in ClinVar:

NM_004999.4(MYO6):c.1526_1528dup (p.Val509_Asp510insVal)

Gene: MYO6 (myosin VI; plus strand). Cytogenetic location: 6q14.1.
Variant type: Duplication.
Coding change: c.1526_1528dup on transcript NM_004999.4 (MANE Select); coding-DNA positions 1526 to 1528, 3 bases duplicated (TGG; older notation c.1526_1528dupTGG).
Protein change: p.Val509_Asp510insVal.
Molecular consequence: non-coding transcript variant (on NR_160538.1).
Genome position (GRCh38, 1-based): chr6:75,861,075-75,861,077, TGG duplicated; duplicating any 3 consecutive bases within chr6:75,861,074-75,861,077 gives the same sequence; the c. name uses the placement nearest the transcript's 3' end. VCF-style (leftmost placement, unchanged base first): chr6-75861073-T-TGTG. GRCh37 (hg19) VCF-style: chr6-76570790-T-TGTG.
Other names: c.1526_1528dup, p.Val509_Asp510insVal (NM_001300899.2, NM_001368136.1, NM_001368137.1 and 2 more transcripts); c.1511_1513dup, p.Val504_Asp505insVal (NM_001368138.1).
Identifiers: ClinVar variation 4072524 (VCV004072524.1).

ClinVar aggregate classification (germline): Uncertain significance (1 of 4 stars; one submission).

Submission:

GeneDx
Classification: Uncertain significance. Last evaluated: 2025-01-31. Review status: criteria provided, single submitter. Criteria: GeneDx Variant Classification Process June 2021. Collection method: clinical testing. Allele origin: germline. Affected: yes.
Comment: In-frame duplication of one amino acid in a non-repeat region; Not observed at significant frequency in large population cohorts (gnomAD); Has not been previously published as pathogenic or benign to our knowledge